The following is an entry in ClinVar:

ClinVar aggregate classification (germline): Benign. Review status: criteria provided, multiple submitters, no conflicts (2 of 4 stars). 3 submissions from 3 submitters: Benign (3). Last evaluated 2026-01-27.

Conditions:
Weaver syndrome (WVS). Also called: Weaver Smith syndrome; Overgrowth syndrome with accelerated skeletal maturation, unusual facies, and camptodactyly. Identifiers: Orphanet 3447, MedGen C0265210, MONDO:0010193, OMIM 277590.

Allele frequency attached by ClinVar (database versions not stated): gnomAD exomes 0.00108 and 0.00288; ExAC 0.00509; gnomAD 0.00944 and 0.00984; TOPMed 0.01069; ESP Exome Variant Server 0.01199; 1000 Genomes Project 0.01558; 1000 Genomes Project 30x 0.01671.
gnomAD v4.1: 3,082 of 1,599,316 alleles (0.19%); highest among the groups gnomAD compares: African/African-American, 3.4%; 46 homozygotes.

Submissions (3):

Labcorp Genetics (formerly Invitae), Labcorp
Classification: Benign for Weaver syndrome. Last evaluated: 2026-01-27. Review status: criteria provided, single submitter. Criteria: Invitae Variant Classification Sherloc (09022015). Collection method: clinical testing. Allele origin: germline.

GeneDx
Classification: Benign. Last evaluated: 2016-01-21. Review status: criteria provided, single submitter. Criteria: GeneDx Variant Classification (06012015). Collection method: clinical testing. Allele origin: germline. Affected: yes.
Comment: This variant is considered likely benign or benign based on one or more of the following criteria: it is a conservative change, it occurs at a poorly conserved position in the protein, it is predicted to be benign by multiple in silico algorithms, and/or has population frequency not consistent with disease.

Eurofins Ntd Llc (ga)
Classification: Benign. Last evaluated: 2014-10-08. Review status: criteria provided, single submitter. Criteria: EGL Classification Definitions 2015. Collection method: clinical testing. Allele origin: germline. Observed: 1 variant allele, 1 heterozygote.

NM_004456.5(EZH2):c.485-7G>A

Gene: EZH2 (enhancer of zeste 2 polycomb repressive complex 2 subunit; minus strand). Cytogenetic location: 7q36.1.
Variant type: single nucleotide variant.
Coding change: c.485-7G>A on transcript NM_004456.5 (MANE Select); 7 bases into the intron before coding-DNA position 485, G replaced by A.
Molecular consequence: intron variant.
Genome position (GRCh38, 1-based): chr7:148,828,887, C>T on the plus strand (G>A on the coding strand, the complement: EZH2 is on the minus strand). VCF-style: chr7-148828887-C-T. GRCh37 (hg19) VCF-style: chr7-148525979-C-T.
Other names: c.458-7G>A (NM_001203248.2, NM_001203249.2); c.368-7G>A (NM_152998.3); c.485-7G>A (NM_001203247.2).
Identifiers: ClinVar variation 198172 (VCV000198172.19), dbSNP rs112932272, ClinGen allele CA203294.